The following is an entry in ClinVar:

NM_000295.5(SERPINA1):c.1065+6A>T

Gene: SERPINA1 (serpin family A member 1; minus strand). Cytogenetic location: 14q32.13.
Variant type: single nucleotide variant.
Coding change: c.1065+6A>T on transcript NM_000295.5 (MANE Select); 6 bases into the intron after coding-DNA position 1065, A replaced by T.
Molecular consequence: intron variant.
Genome position (GRCh38, 1-based): chr14:94,379,458, T>A on the plus strand (A>T on the coding strand, the complement: SERPINA1 is on the minus strand). VCF-style: chr14-94379458-T-A. GRCh37 (hg19) VCF-style: chr14-94845795-T-A.
Other names: c.1065+6A>T (NM_001002235.3, NM_001127707.2, NM_001127706.2 and 8 more transcripts).
Identifiers: ClinVar variation 596514 (VCV000596514.7), dbSNP rs79078626, ClinGen allele CA7327324.
Genomic context (GRCh38, chr14:94,379,458, plus strand): 5'-CTGCAGCCCCCACACATTCTTCCCTACAGATACCAGGGTGCAACAAGGTCGTCAGGGTGA[T>A]CTCACCTTGGAGAGCTTCAGGGGTGCCTCCTCTGTGACCCCGGAGAGGTCAGCCCCATTG-3'

ClinVar aggregate classification (germline): Uncertain significance. Review status: criteria provided, single submitter (1 of 4 stars). 2 submissions from 2 submitters: Uncertain significance (1). 1 of the submissions does not count toward it. Last evaluated 2018-03-13.

Conditions:
SERPINA1-related disorder. Also called: SerpinA1-related disorders; SERPINA1-related condition.

Allele frequency attached by ClinVar (database versions not stated): ExAC 0.00001; gnomAD exomes 0.00002 and 0.00004; TOPMed 0.00005.

Submissions (2):

Eurofins Ntd Llc (ga)
Classification: Uncertain significance. Last evaluated: 2018-03-13. Review status: criteria provided, single submitter. Criteria: EGL ClinVar v180209 classification definitions. Collection method: clinical testing. Allele origin: germline. Observed: 2 variant alleles, 2 heterozygotes.

PreventionGenetics, part of Exact Sciences
Classification: Likely benign for SERPINA1-related condition. Last evaluated: 2023-11-22. Review status: no assertion criteria provided. Collection method: clinical testing. Allele origin: germline. Not counted in ClinVar's aggregate classification.
Comment: This variant is classified as likely benign based on ACMG/AMP sequence variant interpretation guidelines (Richards et al. 2015 PMID: 25741868, with internal and published modifications).